The following is an entry in ClinVar:

NM_002890.3(RASA1):c.829-1G>T

Genes: CCNH (cyclin H; minus strand), RASA1 (RAS p21 protein activator 1; plus strand). Cytogenetic location: 5q14.3.
Variant type: single nucleotide variant.
Coding change: c.829-1G>T on transcript NM_002890.3 (MANE Select); the canonical splice acceptor site of the intron before coding-DNA position 829, G replaced by T.
Molecular consequence: splice acceptor variant. On other transcripts: intron variant (1).
Genome position (GRCh38, 1-based): chr5:87,333,266, G>T. VCF-style: chr5-87333266-G-T. GRCh37 (hg19) VCF-style: chr5-86629083-G-T.
Other names: c.298-1G>T (NM_022650.3); c.934-20471C>A (NM_001364075.2).
Identifiers: ClinVar variation 4070938 (VCV004070938.1).
Genomic context (GRCh38, chr5:87,333,266, plus strand): 5'-TCTTTTGACTTTAAGATAAAAAGACTATCTTTTTAAATCTTTTTTTTTTTATGGTTTCTA[G>T]CCAGTAGAAGATAGAAGGCGTGTACGAGCTATTCTACCTTACACAAAAGTACCAGACACT-3'

ClinVar aggregate classification (germline): Likely pathogenic (1 of 4 stars; one submission).

Conditions:
Capillary malformation-arteriovenous malformation 1 (CMAVM1). Identifiers: Orphanet 137667, Orphanet 693907, MedGen C4747394, MONDO:0020783, OMIM 608354.

Submission:

Pediatric Department, Wenzhou Medical University
Classification: Likely pathogenic for Capillary malformation-arteriovenous malformation 1. Review status: criteria provided, single submitter. Criteria: ACMG Guidelines, 2015. Collection method: clinical testing. Allele origin: germline. Inheritance: Autosomal dominant inheritance. Affected: yes.
Comment: PVS1+PM2_Supporting

Literature cited by the submitters: PubMed 40526942.